The following is an entry in ClinVar:

ClinVar aggregate classification (germline): Pathogenic (1 of 4 stars; one submission).

Conditions:
Hyper-IgE recurrent infection syndrome 3, autosomal recessive. Also called: Autosomal recessive hyper-IgE syndrome due to ZNF341 deficiency; HYPER-IgE SYNDROME 3, AUTOSOMAL RECESSIVE, WITH RECURRENT INFECTIONS. Identifiers: Orphanet 641368, MedGen C4748969, MONDO:0032654, OMIM 618282.

Submission:

Labcorp Genetics (formerly Invitae), Labcorp
Classification: Pathogenic for Combined immunodeficiency due to DOCK8 deficiency. Last evaluated: 2018-09-06. Review status: criteria provided, single submitter. Criteria: Invitae Variant Classification Sherloc (09022015). Collection method: clinical testing. Allele origin: germline.
Comment: For these reasons, this variant has been classified as Pathogenic. Loss-of-function variants in DOCK8 are known to be pathogenic (PMID: 14722525, 19776401). Deletion of exons 11-14 has been observed in an individual affected with¬†hyper IgE syndrome¬†(PMID:¬†25724123,¬†27398204). This variant is an out-of-frame deletion of the genomic region encompassing exons 11-14 of the DOCK8 gene. This is expected to create a premature translational stop signal and result in an absent or disrupted protein product.

Literature cited by the submitters: PubMed 14722525; PubMed 19776401.

NC_000009.12:g.(?_334205)_(340341_?)del

Gene: DOCK8 (dedicator of cytokinesis 8; plus strand). Cytogenetic location: 9p24.3.
Variant type: Deletion.
Identifiers: ClinVar variation 647937 (VCV000647937.11).